The following is an entry in ClinVar:

ClinVar aggregate classification (germline): Benign/Likely benign. Review status: criteria provided, multiple submitters, no conflicts (2 of 4 stars). 2 submissions from 2 submitters: Benign (1); Likely benign (1). Last evaluated 2025-11-12.

Allele frequency attached by ClinVar (database versions not stated): gnomAD exomes 0.00001; ExAC 0.00002; TOPMed 0.00002; ESP Exome Variant Server 0.00008.
gnomAD v4.1: 11 of 1,614,034 alleles (0.00068%); highest among the groups gnomAD compares: South Asian, 0.0033%; no homozygotes.

Submissions (2):

Women's Health and Genetics/Laboratory Corporation of America, LabCorp
Classification: Likely benign. Last evaluated: 2025-11-12. Review status: criteria provided, single submitter. Criteria: LabCorp Variant Classification Summary - May 2015. Collection method: clinical testing. Allele origin: germline.
Comment: Variant summary: SON c.3868G>A (p.Ala1290Thr) results in a non-conservative amino acid change in the encoded protein sequence. Algorithms developed to predict the effect of missense changes on protein structure and function are either unavailable or do not agree on the potential impact of this missense change. The variant allele was found at a frequency of 6.8e-06 in 1614034 control chromosomes (11 heterozygotes). The available data on variant occurrences in the general population are insufficient to allow any conclusion about variant significance. However the number of heterozygous controls in gnomAD is not consistent with the early onset/severe presentation of SON-related conditions. To our knowledge, no occurrence of c.3868G>A in individuals affected with SON-related conditions and no experimental evidence demonstrating its impact on protein function have been reported. ClinVar contains an entry for this variant (Variation ID: 1901222). Based on the evidence outlined above, the variant was classified as likely benign.

Labcorp Genetics (formerly Invitae), Labcorp
Classification: Benign. Last evaluated: 2025-03-03. Review status: criteria provided, single submitter. Criteria: Invitae Variant Classification Sherloc (09022015). Collection method: clinical testing. Allele origin: germline.

NM_138927.4(SON):c.3868G>A (p.Ala1290Thr)

Gene: SON (SON DNA and RNA binding protein; plus strand). Cytogenetic location: 21q22.11.
Variant type: single nucleotide variant.
Coding change: c.3868G>A on transcript NM_138927.4 (MANE Select); coding-DNA position 3868, G replaced by A.
Protein change: p.Ala1290Thr; replaces alanine 1290 with threonine.
Molecular consequence: missense variant. On other transcripts: non-coding transcript variant (1), intron variant (1).
Genome position (GRCh38, 1-based): chr21:33,553,099, G>A. VCF-style: chr21-33553099-G-A. GRCh37 (hg19) VCF-style: chr21-34925405-G-A.
Other names: c.3868G>A, p.Ala1290Thr (NM_001291411.2, NM_001412133.1, NM_032195.3 and 2 more transcripts); c.245-4057G>A (NM_001291412.3); short protein forms A1290T.
Identifiers: ClinVar variation 1901222 (VCV001901222.6), dbSNP rs140427337, ClinGen allele CA10009387.
Genomic context (GRCh38, chr21:33,553,099, plus strand): 5'-GCAGAAGAACATGAAGTTGTTCCAGAGAGACCAGTGACTTGTATGGTATCTGAAACTCCC[G>A]CCATGTCAGCTGAACCAACTGTGTTAGCATCAGAGCCTCCTGTTATGTCAGAGACAGCAG-3'
Protein context (NP_620305.3, residues 1280-1300): PVTCMVSETP[Ala1290Thr]MSAEPTVLAS